The following is an entry in ClinVar:

NM_001369369.1(FOXN1):c.127C>T (p.His43Tyr)

Gene: FOXN1 (forkhead box N1; plus strand). Cytogenetic location: 17q11.2.
Variant type: single nucleotide variant.
Coding change: c.127C>T on transcript NM_001369369.1 (MANE Select); coding-DNA position 127, C replaced by T.
Protein change: p.His43Tyr; replaces histidine 43 with tyrosine.
Molecular consequence: missense variant.
Genome position (GRCh38, 1-based): chr17:28,524,506, C>T. VCF-style: chr17-28524506-C-T. GRCh37 (hg19) VCF-style: chr17-26851524-C-T.
Other names: c.127C>T, p.His43Tyr (NM_003593.3); short protein forms H43Y.
Identifiers: ClinVar variation 2767201 (VCV002767201.3), dbSNP rs2508352999, ClinGen allele CA398320443.

ClinVar aggregate classification (germline): Uncertain significance (1 of 4 stars; one submission).

Conditions:
T-cell immunodeficiency, congenital alopecia, and nail dystrophy. Also called: Congenital alopecia and nail dystrophy associated with severe functional T-cell immunodeficiency; Pignata Guarino syndrome. Identifiers: Orphanet 169095, MedGen C1866426, MONDO:0011132, OMIM 601705.

Submission:

Labcorp Genetics (formerly Invitae), Labcorp
Classification: Uncertain significance for T-cell immunodeficiency, congenital alopecia, and nail dystrophy. Last evaluated: 2023-10-09. Review status: criteria provided, single submitter. Criteria: Invitae Variant Classification Sherloc (09022015). Collection method: clinical testing. Allele origin: germline.
Comment: This sequence change replaces histidine, which is basic and polar, with tyrosine, which is neutral and polar, at codon 43 of the FOXN1 protein (p.His43Tyr). This variant is not present in population databases (gnomAD no frequency). This variant has not been reported in the literature in individuals affected with FOXN1-related conditions. Advanced modeling of protein sequence and biophysical properties (such as structural, functional, and spatial information, amino acid conservation, physicochemical variation, residue mobility, and thermodynamic stability) performed at Invitae indicates that this missense variant is not expected to disrupt FOXN1 protein function. In summary, the available evidence is currently insufficient to determine the role of this variant in disease. Therefore, it has been classified as a Variant of Uncertain Significance.